The following is an entry in ClinVar:

NM_006996.3(SLC19A2):c.272C>A (p.Ala91Asp)

Gene: SLC19A2 (solute carrier family 19 member 2; minus strand). Cytogenetic location: 1q24.2.
Variant type: single nucleotide variant.
Coding change: c.272C>A on transcript NM_006996.3 (MANE Select); coding-DNA position 272, C replaced by A.
Protein change: p.Ala91Asp; replaces alanine 91 with aspartic acid.
Molecular consequence: missense variant. On other transcripts: intron variant (1).
Genome position (GRCh38, 1-based): chr1:169,477,690, G>T on the plus strand (C>A on the coding strand, the complement: SLC19A2 is on the minus strand). VCF-style: chr1-169477690-G-T. GRCh37 (hg19) VCF-style: chr1-169446928-G-T.
Other names: c.205-7504C>A (NM_001319667.1); short protein forms A91D.
Identifiers: ClinVar variation 2971416 (VCV002971416.3), dbSNP rs1658356896, ClinGen allele CA343110929.

ClinVar aggregate classification (germline): Likely pathogenic (1 of 4 stars; one submission).

Allele frequency attached by ClinVar (database versions not stated): gnomAD exomes below 0.00001.
gnomAD v4.1: 2 of 1,613,694 alleles (0.00012%); highest among the groups gnomAD compares: African/African-American, 0.0013%; no homozygotes.

Submission:

Labcorp Genetics (formerly Invitae), Labcorp
Classification: Likely pathogenic. Last evaluated: 2023-09-06. Review status: criteria provided, single submitter. Criteria: Invitae Variant Classification Sherloc (09022015). Collection method: clinical testing. Allele origin: germline.
Comment: This sequence change replaces alanine, which is neutral and non-polar, with aspartic acid, which is acidic and polar, at codon 91 of the SLC19A2 protein (p.Ala91Asp). In summary, the currently available evidence indicates that the variant is pathogenic, but additional data are needed to prove that conclusively. Therefore, this variant has been classified as Likely Pathogenic. This variant disrupts the p.Ala91 amino acid residue in SLC19A2. Other variant(s) that disrupt this residue have been observed in individuals with SLC19A2-related conditions (PMID: 29450569), which suggests that this may be a clinically significant amino acid residue. Advanced modeling of protein sequence and biophysical properties (such as structural, functional, and spatial information, amino acid conservation, physicochemical variation, residue mobility, and thermodynamic stability) performed at Invitae indicates that this missense variant is expected to disrupt SLC19A2 protein function. This missense change has been observed in individual(s) with thiamine-responsive megaloblastic anaemia (PMID: 31338833). This variant is not present in population databases (gnomAD no frequency).

Literature cited by the submitters: PubMed 29450569; PubMed 31338833.